The following is an entry in ClinVar:

ClinVar aggregate classification (germline): Likely benign. Review status: no assertion criteria provided (0 of 4 stars). 2 submissions from 2 submitters: Likely benign (2). Last evaluated 2023-09-22.

Conditions:
Intellectual disability. Also called: intellectual disabilities; Intellectual developmental disorder; Intellectual functioning disability. Identifiers: MedGen C3714756, MeSH D008607, MONDO:0001071, HP:0001249.
CIC-related disorder. Also called: CIC-related condition.

Allele frequency attached by ClinVar (database versions not stated): ExAC 0.00008; gnomAD 0.00007 and 0.00008; gnomAD exomes 0.00006 and 0.00004; TOPMed 0.00006.
gnomAD v4.1: 76 of 1,610,888 alleles (0.0047%); highest among the groups gnomAD compares: African/African-American, 0.019%; no homozygotes.

Submissions (2):

PreventionGenetics, part of Exact Sciences
Classification: Likely benign for CIC-related condition. Last evaluated: 2023-09-22. Review status: no assertion criteria provided. Collection method: clinical testing. Allele origin: germline.
Comment: This variant is classified as likely benign based on ACMG/AMP sequence variant interpretation guidelines (Richards et al. 2015 PMID: 25741868, with internal and published modifications).

Centre de Biologie Pathologie Génétique, Centre Hospitalier Universitaire de Lille
Classification: Likely benign for Intellectual disability. Last evaluated: 2019-01-01. Review status: no assertion criteria provided. Collection method: clinical testing. Allele origin: inherited. Affected: yes.

NM_001386298.1(CIC):c.4748A>G (p.Asn1583Ser)

Gene: CIC (capicua transcriptional repressor; plus strand). Cytogenetic location: 19q13.2.
Variant type: single nucleotide variant.
Coding change: c.4748A>G on transcript NM_001386298.1 (MANE Select); coding-DNA position 4748, A replaced by G.
Protein change: p.Asn1583Ser; replaces asparagine 1583 with serine.
Molecular consequence: missense variant.
Genome position (GRCh38, 1-based): chr19:42,290,789, A>G. VCF-style: chr19-42290789-A-G. GRCh37 (hg19) VCF-style: chr19-42794941-A-G.
Other names: c.4748A>G, p.Asn1583Ser (NM_001304815.2, NM_001379480.1, NM_001379482.1); c.2021A>G, p.Asn674Ser (NM_001379484.1, NM_001379485.1, NM_015125.5); short protein forms N1583S, N674S.
Identifiers: ClinVar variation 975211 (VCV000975211.3), dbSNP rs773111863, ClinGen allele CA9472171.